The following is an entry in ClinVar:

ClinVar aggregate classification (germline): Uncertain significance (1 of 4 stars; one submission).

gnomAD v4.1: 12 of 1,613,840 alleles (0.00074%); highest among the groups gnomAD compares: Non-Finnish European, 0.00093%; no homozygotes.

Submission:

GeneDx
Classification: Uncertain significance. Last evaluated: 2026-01-26. Review status: criteria provided, single submitter. Criteria: GeneDx Variant Classification Process June 2021. Collection method: clinical testing. Allele origin: germline.
Comment: Not observed at significant frequency in large population cohorts (gnomAD); In silico analysis supports that this missense variant has a deleterious effect on protein structure/function; Has not been previously published as pathogenic or benign to our knowledge

NM_018206.6(VPS35):c.2333G>A (p.Arg778His)

Gene: VPS35 (VPS35 retromer complex component; minus strand). Cytogenetic location: 16q11.2.
Variant type: single nucleotide variant.
Coding change: c.2333G>A on transcript NM_018206.6 (MANE Select); coding-DNA position 2333, G replaced by A.
Protein change: p.Arg778His; replaces arginine 778 with histidine.
Molecular consequence: missense variant.
Genome position (GRCh38, 1-based): chr16:46,660,530, C>T on the plus strand (G>A on the coding strand, the complement: VPS35 is on the minus strand). VCF-style: chr16-46660530-C-T. GRCh37 (hg19) VCF-style: chr16-46694442-C-T.
Other names: short protein forms R778H.
Identifiers: ClinVar variation 4887891 (VCV004887891.1).
Genomic context (GRCh38, chr16:46,660,530, plus strand): 5'-TTTTAAAGGATGAGACCTTCATAAATTGGCCCCTCGGATTCTGGTGATTCCCGCCGCAAG[C>T]GCAAATGCTCCAGTGTGTTATGAAAATGTTTGTTAATCTGCTCTGTTTCTTCACTGGATT-3'
Protein context (NP_060676.2, residues 768-788): KHFHNTLEHL[Arg778His]LRRESPESEG